The following is an entry in ClinVar:

ClinVar aggregate classification (germline): Uncertain significance. Review status: criteria provided, multiple submitters, no conflicts (2 of 4 stars). 2 submissions from 2 submitters: Uncertain significance (2). Last evaluated 2025-11-22.

Conditions:
Hereditary cancer-predisposing syndrome. Also called: Neoplastic Syndromes, Hereditary; Tumor predisposition; Hereditary neoplastic syndrome; Hereditary Cancer Syndrome. Identifiers: Orphanet 140162, MedGen C0027672, MeSH D009386, MONDO:0015356.
Bloom syndrome (BLM). Also called: Bloom-Torre-Machacek syndrome. Identifiers: Orphanet 125, MedGen C0005859, MONDO:0008876, OMIM 210900.

Allele frequency attached by ClinVar (database versions not stated): gnomAD exomes below 0.00001 and 0.00001; ExAC 0.00001; gnomAD 0.00001; 1000 Genomes Project 30x 0.00016; 1000 Genomes Project 0.00020.
gnomAD v4.1: 18 of 1,614,034 alleles (0.0011%); highest among the groups gnomAD compares: East Asian, 0.0022%; no homozygotes.

Submissions (2):

Labcorp Genetics (formerly Invitae), Labcorp
Classification: Uncertain significance for Bloom syndrome. Last evaluated: 2025-11-22. Review status: criteria provided, single submitter. Criteria: Invitae Variant Classification Sherloc (09022015). Collection method: clinical testing. Allele origin: germline.
Comment: This sequence change replaces isoleucine, which is neutral and non-polar, with threonine, which is neutral and polar, at codon 658 of the BLM protein (p.Ile658Thr). This variant is not present in population databases (gnomAD no frequency). This variant has not been reported in the literature in individuals affected with BLM-related conditions. ClinVar contains an entry for this variant (Variation ID: 579265). Invitae Evidence Modeling of protein sequence and biophysical properties (such as structural, functional, and spatial information, amino acid conservation, physicochemical variation, residue mobility, and thermodynamic stability) indicates that this missense variant is not expected to disrupt BLM protein function with a negative predictive value of 80%. Experimental studies have shown that this missense change does not substantially affect BLM function (PMID: 23129629). In summary, the available evidence is currently insufficient to determine the role of this variant in disease. Therefore, it has been classified as a Variant of Uncertain Significance.

Ambry Genetics
Classification: Uncertain significance for Hereditary cancer-predisposing syndrome. Last evaluated: 2025-08-29. Review status: criteria provided, single submitter. Criteria: Ambry Variant Classification Scheme 2023. Collection method: clinical testing. Allele origin: germline.
Comment: The p.I658T variant (also known as c.1973T>C), located in coding exon 7 of the BLM gene, results from a T to C substitution at nucleotide position 1973. The isoleucine at codon 658 is replaced by threonine, an amino acid with similar properties. One yeast-based functional assay showed that p.I658T behaves similarly to wild-type (Mirzaei H et al. Proc Natl Acad Sci U S A 2012 Nov;109(47):19357-62). This amino acid position is well conserved in available vertebrate species. In addition, the in silico prediction for this alteration is inconclusive. Since supporting evidence is limited at this time, the clinical significance of this alteration remains unclear.

Literature cited by the submitters: PubMed 23129629 (cited by Labcorp Genetics (formerly Invitae), Labcorp).

NM_000057.4(BLM):c.1973T>C (p.Ile658Thr)

Gene: BLM (BLM RecQ like helicase; plus strand). Cytogenetic location: 15q26.1.
Variant type: single nucleotide variant.
Coding change: c.1973T>C on transcript NM_000057.4 (MANE Select); coding-DNA position 1973, T replaced by C.
Protein change: p.Ile658Thr; replaces isoleucine 658 with threonine.
Molecular consequence: missense variant.
Genome position (GRCh38, 1-based): chr15:90,763,056, T>C. VCF-style: chr15-90763056-T-C. GRCh37 (hg19) VCF-style: chr15-91306286-T-C.
Other names: c.848T>C, p.Ile283Thr (NM_001287248.2); c.1973T>C, p.Ile658Thr (NM_001287246.2, NM_001287247.2); short protein forms I658T, I283T.
Identifiers: ClinVar variation 579265 (VCV000579265.12), dbSNP rs187379039, ClinGen allele CA7738631.
Genomic context (GRCh38, chr15:90,763,056, plus strand): 5'-ATCTGAAACATGAGCGTTTCCAAAGTCTTAGTTTTCCTCATACAAAGGAAATGATGAAGA[T>C]TTTTCATAAAAAATTTGGCCTGCATAATTTTAGAACTAATCAGCTAGAGGCGATCAATGC-3'
Protein context (NP_000048.1, residues 648-668): SFPHTKEMMK[Ile658Thr]FHKKFGLHNF